The following is an entry in ClinVar:

ClinVar aggregate classification (germline): Uncertain significance. Review status: criteria provided, single submitter (1 of 4 stars). 2 submissions from 2 submitters: Uncertain significance (1). 1 of the submissions does not count toward it. Last evaluated 2024-07-10.

Conditions:
PLXNA2-related disorder. Also called: PLXNA2-related condition.

gnomAD v4.1: 15 of 1,614,126 alleles (0.00093%); highest among the groups gnomAD compares: Non-Finnish European, 0.0012%; no homozygotes.

Submissions (2):

Ambry Genetics
Classification: Uncertain significance. Last evaluated: 2024-07-10. Review status: criteria provided, single submitter. Criteria: Ambry Variant Classification Scheme 2023. Collection method: clinical testing. Allele origin: germline.

PreventionGenetics, part of Exact Sciences
Classification: Uncertain significance for PLXNA2-related condition. Last evaluated: 2024-07-25. Review status: no assertion criteria provided. Collection method: clinical testing. Allele origin: germline. Not counted in ClinVar's aggregate classification.
Comment: The PLXNA2 c.1826G>T variant is predicted to result in the amino acid substitution p.Ser609Ile. To our knowledge, this variant has not been reported in the literature or in a large population database, indicating this variant is rare. At this time, the clinical significance of this variant is uncertain due to the absence of conclusive functional and genetic evidence.

NM_025179.4(PLXNA2):c.1826G>T (p.Ser609Ile)

Gene: PLXNA2 (plexin A2; minus strand). Cytogenetic location: 1q32.2.
Variant type: single nucleotide variant.
Coding change: c.1826G>T on transcript NM_025179.4 (MANE Select); coding-DNA position 1826, G replaced by T.
Protein change: p.Ser609Ile; replaces serine 609 with isoleucine.
Molecular consequence: missense variant.
Genome position (GRCh38, 1-based): chr1:208,096,789, C>A on the plus strand (G>T on the coding strand, the complement: PLXNA2 is on the minus strand). VCF-style: chr1-208096789-C-A. GRCh37 (hg19) VCF-style: chr1-208270134-C-A.
Other names: short protein forms S609I.
Identifiers: ClinVar variation 3357833 (VCV003357833.2).